The following is an entry in ClinVar:

NM_007315.4(STAT1):c.1441C>A (p.Pro481Thr)

Gene: STAT1 (signal transducer and activator of transcription 1; minus strand). Cytogenetic location: 2q32.2.
Variant type: single nucleotide variant.
Coding change: c.1441C>A on transcript NM_007315.4 (MANE Select); coding-DNA position 1441, C replaced by A.
Protein change: p.Pro481Thr; replaces proline 481 with threonine.
Molecular consequence: missense variant.
Genome position (GRCh38, 1-based): chr2:190,983,647, G>T on the plus strand (C>A on the coding strand, the complement: STAT1 is on the minus strand). VCF-style: chr2-190983647-G-T. GRCh37 (hg19) VCF-style: chr2-191848373-G-T.
Other names: c.1381C>A, p.Pro461Thr (NM_001384880.1); c.1447C>A, p.Pro483Thr (NM_001384881.1, NM_001384884.1); c.1435C>A, p.Pro479Thr (NM_001384882.1); c.1342C>A, p.Pro448Thr (NM_001384883.1); c.1282C>A, p.Pro428Thr (NM_001384885.1); c.1441C>A, p.Pro481Thr (NM_001384886.1, NM_001384889.1, NM_001437284.1 and 1 more transcripts); c.1348C>A, p.Pro450Thr (NM_001384887.1); c.1411C>A, p.Pro471Thr (NM_001384888.1); and 2 more; short protein forms P428T, P483T, P450T, P451T, P479T, P481T, P448T, P461T.
Identifiers: ClinVar variation 4785055 (VCV004785055.1).

ClinVar aggregate classification (germline): Uncertain significance (1 of 4 stars; one submission).

Conditions:
Mendelian susceptibility to mycobacterial diseases due to partial STAT1 deficiency. Also called: IMMUNODEFICIENCY 31A, MYCOBACTERIOSIS, AUTOSOMAL DOMINANT; STAT1 DEFICIENCY, AUTOSOMAL DOMINANT; Immunodeficiency 31a. Identifiers: Orphanet 319595, MedGen C4013950, MONDO:0013956, OMIM 614892.
Autoimmune enteropathy and endocrinopathy - susceptibility to chronic infections syndrome. Also called: Immunodeficiency 31C, autosomal dominant; Immunodeficiency 31C. Identifiers: Orphanet 391487, MedGen C3279990, MONDO:0013599, OMIM 614162.
Immunodeficiency 31B. Also called: IMMUNODEFICIENCY 31B, MYCOBACTERIAL AND VIRAL INFECTIONS, AUTOSOMAL RECESSIVE; STAT1 DEFICIENCY, AUTOSOMAL RECESSIVE. Identifiers: Orphanet 391311, MedGen C3151088, MONDO:0013427, OMIM 613796.

Submission:

Labcorp Genetics (formerly Invitae), Labcorp
Classification: Uncertain significance for Mendelian susceptibility to mycobacterial diseases due to partial STAT1 deficiency; Immunodeficiency 31B; Autoimmune enteropathy and endocrinopathy - susceptibility to chronic infections syndrome. Last evaluated: 2025-07-20. Review status: criteria provided, single submitter. Criteria: Invitae Variant Classification Sherloc (09022015). Collection method: clinical testing. Allele origin: germline.
Comment: This sequence change replaces proline, which is neutral and non-polar, with threonine, which is neutral and polar, at codon 481 of the STAT1 protein (p.Pro481Thr). This variant is not present in population databases (gnomAD no frequency). This variant has not been reported in the literature in individuals affected with STAT1-related conditions. An algorithm developed to predict the effect of missense changes on protein structure and function (PolyPhen-2) suggests that this variant is likely to be tolerated. In summary, the available evidence is currently insufficient to determine the role of this variant in disease. Therefore, it has been classified as a Variant of Uncertain Significance.